The following is an entry in ClinVar:

ClinVar aggregate classification (germline): Uncertain significance (1 of 4 stars; one submission).

Submission:

Labcorp Genetics (formerly Invitae), Labcorp
Classification: Uncertain significance. Last evaluated: 2022-05-25. Review status: criteria provided, single submitter. Criteria: Invitae Variant Classification Sherloc (09022015). Collection method: clinical testing. Allele origin: germline.
Comment: In summary, the available evidence is currently insufficient to determine the role of this variant in disease. Therefore, it has been classified as a Variant of Uncertain Significance. Algorithms developed to predict the effect of missense changes on protein structure and function (SIFT, PolyPhen-2, Align-GVGD) all suggest that this variant is likely to be tolerated. This variant has not been reported in the literature in individuals affected with RASGRP1-related conditions. This variant is not present in population databases (gnomAD no frequency). This sequence change replaces glutamic acid, which is acidic and polar, with aspartic acid, which is acidic and polar, at codon 211 of the RASGRP1 protein (p.Glu211Asp).

NM_005739.4(RASGRP1):c.633G>C (p.Glu211Asp)

Gene: RASGRP1 (RAS guanyl releasing protein 1; minus strand). Cytogenetic location: 15q14.
Variant type: single nucleotide variant.
Coding change: c.633G>C on transcript NM_005739.4 (MANE Select); coding-DNA position 633, G replaced by C.
Protein change: p.Glu211Asp; replaces glutamic acid 211 with aspartic acid.
Molecular consequence: missense variant.
Genome position (GRCh38, 1-based): chr15:38,516,239, C>G on the plus strand (G>C on the coding strand, the complement: RASGRP1 is on the minus strand). VCF-style: chr15-38516239-C-G. GRCh37 (hg19) VCF-style: chr15-38808440-C-G.
Other names: c.633G>C, p.Glu211Asp (NM_001128602.2, NM_001306086.2); short protein forms E211D.
Identifiers: ClinVar variation 1998674 (VCV001998674.3), dbSNP rs778426307, ClinGen allele CA391653148.
Genomic context (GRCh38, chr15:38,516,239, plus strand): 5'-TGCCCCTTGCATACATACCGATATCCTCCGGAAAGACTTGAACTCAAGGTAGGTGAGGTG[C>G]TCGGATAGCTCTTCTGGTTCCAGATGGTCAAAGAGCAGGGAGACTTTCCGTTTCTTGCTG-3'
Protein context (NP_005730.2, residues 201-221): FDHLEPEELS[Glu211Asp]HLTYLEFKSF